The following is an entry in ClinVar:

ClinVar aggregate classification (germline): Uncertain significance (1 of 4 stars; one submission).

Allele frequency attached by ClinVar (database versions not stated): TOPMed below 0.00001; gnomAD exomes 0.00001 and 0.00003; ExAC 0.00004.
gnomAD v4.1: 7 of 1,610,668 alleles (0.00043%); highest among the groups gnomAD compares: Admixed American, 0.012%; no homozygotes.

Submission:

Labcorp Genetics (formerly Invitae), Labcorp
Classification: Uncertain significance. Last evaluated: 2021-12-01. Review status: criteria provided, single submitter. Criteria: Invitae Variant Classification Sherloc (09022015). Collection method: clinical testing. Allele origin: germline.
Comment: This sequence change replaces phenylalanine, which is neutral and non-polar, with leucine, which is neutral and non-polar, at codon 29 of the LTBP2 protein (p.Phe29Leu). This variant is present in population databases (rs767471138, gnomAD 0.02%). This variant has not been reported in the literature in individuals affected with LTBP2-related conditions. Algorithms developed to predict the effect of missense changes on protein structure and function output the following: SIFT: "Tolerated"; PolyPhen-2: "Benign"; Align-GVGD: "Class C0". The leucine amino acid residue is found in multiple mammalian species, which suggests that this missense change does not adversely affect protein function. In summary, the available evidence is currently insufficient to determine the role of this variant in disease. Therefore, it has been classified as a Variant of Uncertain Significance.

NM_000428.3(LTBP2):c.85T>C (p.Phe29Leu)

Gene: LTBP2 (latent transforming growth factor beta binding protein 2; minus strand). Cytogenetic location: 14q24.3.
Variant type: single nucleotide variant.
Coding change: c.85T>C on transcript NM_000428.3 (MANE Select); coding-DNA position 85, T replaced by C.
Protein change: p.Phe29Leu; replaces phenylalanine 29 with leucine.
Molecular consequence: missense variant.
Genome position (GRCh38, 1-based): chr14:74,611,860, A>G on the plus strand (T>C on the coding strand, the complement: LTBP2 is on the minus strand). VCF-style: chr14-74611860-A-G. GRCh37 (hg19) VCF-style: chr14-75078563-A-G.
Other names: short protein forms F29L.
Identifiers: ClinVar variation 1408866 (VCV001408866.3), dbSNP rs767471138, ClinGen allele CA7270267.